The following is an entry in ClinVar:

ClinVar aggregate classification (germline): Likely pathogenic (1 of 4 stars; one submission).

Conditions:
Congenital stationary night blindness 1B. Also called: NIGHT BLINDNESS, CONGENITAL STATIONARY, COMPLETE, AUTOSOMAL RECESSIVE; Night blindness, congenital stationary (complete), 1B, autosomal recessive. Identifiers: Orphanet 215, MedGen C1850362, MONDO:0009758, OMIM 257270.

Submission:

Neuberg Centre For Genomic Medicine, NCGM
Classification: Likely pathogenic for Congenital stationary night blindness 1B. Review status: criteria provided, single submitter. Criteria: ACMG Guidelines, 2015. Collection method: clinical testing. Allele origin: germline. Inheritance: Autosomal recessive inheritance. Affected: yes.
Comment: The frameshift c.1144del p.Ala382ProfsTer16 variant in the GPR179 gene has not been reported previously as a pathogenic variant nor as a benign variant, to our knowledge. The variant is novel not in any individuals in gnomAD Exomes and 1000 Genomes. This variant causes a frameshift starting with codon Alanine 382, changes this amino acid to Proline residue, and creates a premature Stop codon at position 16 of the new reading frame, denoted p.Ala382ProfsTer16. This variant is predicted to cause loss of normal protein function through protein truncation. Loss of function variants have been previously reported to be disease causing. For these reasons, this variant has been classified as Likely Pathogenic.

NM_001004334.4(GPR179):c.1144del (p.Ala382fs)

Gene: GPR179 (G protein-coupled receptor 179; minus strand). Cytogenetic location: 17q12.
Variant type: Deletion.
Coding change: c.1144del on transcript NM_001004334.4 (MANE Select); coding-DNA position 1144, one base deleted (G; older notation c.1144delG).
Protein change: p.Ala382fs; shifts the reading frame from alanine 382.
Molecular consequence: frameshift variant.
Genome position (GRCh38, 1-based): chr17:38,337,061, C deleted on the plus strand (G on the coding strand, the reverse complement: GPR179 is on the minus strand); the first of 3 consecutive C bases (chr17:38,337,061-38,337,063); deleting any one gives the same sequence. VCF-style (leftmost placement, unchanged base first): chr17-38337060-GC-G. GRCh37 (hg19) VCF-style: chr17-36492943-GC-G.
Other names: short protein forms A382fs.
Identifiers: ClinVar variation 3234913 (VCV003234913.1), dbSNP rs2037410932, ClinGen allele CA2258586292.